The following is an entry in ClinVar:

NM_006172.4(NPPA):c.113T>G (p.Met38Arg)

Genes: NPPA (natriuretic peptide A; minus strand), NPPA-AS1 (NPPA antisense RNA 1; plus strand), LOC114827827 (VISTA enhancer hs2123; plus strand). Cytogenetic location: 1p36.22.
Variant type: single nucleotide variant.
Coding change: c.113T>G on transcript NM_006172.4 (MANE Select); coding-DNA position 113, T replaced by G.
Protein change: p.Met38Arg; replaces methionine 38 with arginine.
Molecular consequence: missense variant. On other transcripts: non-coding transcript variant (1).
Genome position (GRCh38, 1-based): chr1:11,847,572, A>C on the plus strand (T>G on the coding strand, the complement: NPPA is on the minus strand). VCF-style: chr1-11847572-A-C. GRCh37 (hg19) VCF-style: chr1-11907629-A-C.
Other names: short protein forms M38R.
Identifiers: ClinVar variation 1399897 (VCV001399897.8), dbSNP rs763172985, ClinGen allele CA597102.
Genomic context (GRCh38, chr1:11,847,572, plus strand): 5'-GCATCAGAAAGCCCCCTGGCCCCAGACTGCACCCGCTTTCCTGGCCCTACCTTGAAATCC[A>C]TCAGGTCTGCGTTGGACACGGCATTGTACATGGGATTAGCTCTGGTCTGACCTAGGAGCT-3'
Protein context (NP_006163.1, residues 28-48): MYNAVSNADL[Met38Arg]DFKNLLDHLE

ClinVar aggregate classification (germline): Uncertain significance (1 of 4 stars; one submission).

Conditions:
Atrial fibrillation, familial, 6 (ATFB6). Identifiers: MedGen C2677294, MONDO:0012816, OMIM 612201.

Allele frequency attached by ClinVar (database versions not stated): gnomAD exomes below 0.00001 and 0.00001; ExAC 0.00001.
gnomAD v4.1: 5 of 1,614,170 alleles (0.00031%); highest among the groups gnomAD compares: Non-Finnish European, 0.00042%; no homozygotes.

Submission:

Labcorp Genetics (formerly Invitae), Labcorp
Classification: Uncertain significance for Atrial fibrillation, familial, 6. Last evaluated: 2021-04-13. Review status: criteria provided, single submitter. Criteria: Invitae Variant Classification Sherloc (09022015). Collection method: clinical testing. Allele origin: germline.
Comment: In summary, the available evidence is currently insufficient to determine the role of this variant in disease. Therefore, it has been classified as a Variant of Uncertain Significance. Algorithms developed to predict the effect of missense changes on protein structure and function (SIFT, PolyPhen-2, Align-GVGD) all suggest that this variant is likely to be disruptive, but these predictions have not been confirmed by published functional studies and their clinical significance is uncertain. This variant has not been reported in the literature in individuals with NPPA-related conditions. This variant is present in population databases (rs763172985, ExAC 0.001%). This sequence change replaces methionine with arginine at codon 38 of the NPPA protein (p.Met38Arg). The methionine residue is highly conserved and there is a moderate physicochemical difference between methionine and arginine.